The following is an entry in ClinVar:

ClinVar aggregate classification (germline): Pathogenic (1 of 4 stars; one submission).

Submission:

Labcorp Genetics (formerly Invitae), Labcorp
Classification: Pathogenic. Last evaluated: 2020-02-24. Review status: criteria provided, single submitter. Criteria: Invitae Variant Classification Sherloc (09022015). Collection method: clinical testing. Allele origin: germline.
Comment: For these reasons, this variant has been classified as Pathogenic. Loss-of-function variants in HPS3 are known to be pathogenic (PMID: 11590544). This variant has not been reported in the literature in individuals with HPS3-related conditions. This variant is not present in population databases (ExAC no frequency). This sequence change creates a premature translational stop signal (p.Lys801Glnfs*12) in the HPS3 gene. It is expected to result in an absent or disrupted protein product.

Literature cited by the submitters: PubMed 11590544.

NM_032383.5(HPS3):c.2399dup (p.Lys801fs)

Genes: CP (ceruloplasmin; minus strand), HPS3 (HPS3 biogenesis of lysosomal organelles complex 2 subunit 1; plus strand). Cytogenetic location: 3q24.
Variant type: Duplication.
Coding change: c.2399dup on transcript NM_032383.5 (MANE Select); coding-DNA position 2399, one base duplicated (T; older notation c.2399dupT).
Protein change: p.Lys801fs; shifts the reading frame from lysine 801.
Molecular consequence: frameshift variant. On other transcripts: non-coding transcript variant (1).
Genome position (GRCh38, 1-based): chr3:149,162,796, T duplicated; the last of 5 consecutive T bases (chr3:149,162,792-149,162,796); duplicating any one gives the same sequence. VCF-style (leftmost placement, unchanged base first): chr3-149162791-C-CT. GRCh37 (hg19) VCF-style: chr3-148880578-C-CT.
Other names: c.1904dup, p.Lys636fs (NM_001308258.2); short protein forms K636fs, K801fs.
Identifiers: ClinVar variation 1070217 (VCV001070217.7), dbSNP rs1313576315, ClinGen allele CA1410101316.